The following is an entry in ClinVar:

ClinVar aggregate classification (germline): Uncertain significance (1 of 4 stars; one submission).

Conditions:
Primary ciliary dyskinesia. Also called: Ciliary dyskinesia. Identifiers: Orphanet 244, MedGen C0008780, MONDO:0016575, HP:0012265.

Submission:

Labcorp Genetics (formerly Invitae), Labcorp
Classification: Uncertain significance for Primary ciliary dyskinesia. Last evaluated: 2022-03-31. Review status: criteria provided, single submitter. Criteria: Invitae Variant Classification Sherloc (09022015). Collection method: clinical testing. Allele origin: germline.
Comment: This sequence change replaces histidine, which is basic and polar, with tyrosine, which is neutral and polar, at codon 2708 of the DNAH5 protein (p.His2708Tyr). This variant is not present in population databases (gnomAD no frequency). This variant has not been reported in the literature in individuals affected with DNAH5-related conditions. Advanced modeling of protein sequence and biophysical properties (such as structural, functional, and spatial information, amino acid conservation, physicochemical variation, residue mobility, and thermodynamic stability) performed at Invitae indicates that this missense variant is not expected to disrupt DNAH5 protein function. In summary, the available evidence is currently insufficient to determine the role of this variant in disease. Therefore, it has been classified as a Variant of Uncertain Significance.

NM_001369.3(DNAH5):c.8122C>T (p.His2708Tyr)

Gene: DNAH5 (dynein axonemal heavy chain 5; minus strand). Cytogenetic location: 5p15.2.
Variant type: single nucleotide variant.
Coding change: c.8122C>T on transcript NM_001369.3 (MANE Select); coding-DNA position 8122, C replaced by T.
Protein change: p.His2708Tyr; replaces histidine 2708 with tyrosine.
Molecular consequence: missense variant.
Genome position (GRCh38, 1-based): chr5:13,793,617, G>A on the plus strand (C>T on the coding strand, the complement: DNAH5 is on the minus strand). VCF-style: chr5-13793617-G-A. GRCh37 (hg19) VCF-style: chr5-13793726-G-A.
Other names: short protein forms H2708Y.
Identifiers: ClinVar variation 1967454 (VCV001967454.2), dbSNP rs1757358342, ClinGen allele CA359221330.